The following is an entry in ClinVar:

NM_024426.6(WT1):c.298C>A (p.Pro100Thr)

Genes: WT1 (WT1 transcription factor; minus strand), LOC107982234 (WT1/WT1-AS bi-directional promoter region; plus strand). Cytogenetic location: 11p13.
Variant type: single nucleotide variant.
Coding change: c.298C>A on transcript NM_024426.6 (MANE Select); coding-DNA position 298, C replaced by A.
Protein change: p.Pro100Thr; replaces proline 100 with threonine.
Molecular consequence: missense variant. On other transcripts: non-coding transcript variant (1).
Genome position (GRCh38, 1-based): chr11:32,435,063, G>T on the plus strand (C>A on the coding strand, the complement: WT1 is on the minus strand). VCF-style: chr11-32435063-G-T. GRCh37 (hg19) VCF-style: chr11-32456609-G-T.
Other names: c.298C>A, p.Pro100Thr (NM_000378.6, NM_024424.5); short protein forms P100T.
Identifiers: ClinVar variation 648387 (VCV000648387.2), dbSNP rs567200038, ClinGen allele CA379965980.

ClinVar aggregate classification (germline): Uncertain significance. Review status: criteria provided, multiple submitters, no conflicts (2 of 4 stars). 2 submissions from 2 submitters: Uncertain significance (2). Last evaluated 2026-07-07.

Conditions:
Wilms tumor 1 (WT1). Also called: Wilms tumor, somatic. Identifiers: Orphanet 654, MedGen CN033288, MONDO:0008679, OMIM 194070.
11p partial monosomy syndrome (WAGR). Also called: WAGR syndrome; WAGR Spectrum Disorder; WAGR Complex; CHROMOSOME 11p13 DELETION SYNDROME. Identifiers: Orphanet 893, MedGen C0206115, MONDO:0008681, OMIM 194072.
Drash syndrome (DDS). Also called: NEPHROPATHY, WILMS TUMOR, AND GENITAL ANOMALIES; WILMS TUMOR AND PSEUDO- OR TRUE HERMAPHRODITISM. Identifiers: Orphanet 220, MedGen C0950121, MONDO:0008682, OMIM 194080.
Frasier syndrome. Identifiers: Orphanet 347, MedGen C0950122, MeSH D052159, MONDO:0007635, OMIM 136680.
Inborn genetic diseases. Identifiers: MedGen C0950123, MeSH D030342.

Allele frequency attached by ClinVar (database versions not stated): gnomAD exomes below 0.00001.
gnomAD v4.1: 1 of 1,478,408 alleles (0.000068%); highest among the groups gnomAD compares: Non-Finnish European, 0.000089%; no homozygotes.

Submissions (2):

Ambry Genetics
Classification: Uncertain significance for Inborn genetic diseases. Last evaluated: 2026-07-07. Review status: criteria provided, single submitter. Criteria: Ambry Variant Classification Scheme 2023. Collection method: clinical testing. Allele origin: germline.
Comment: The p.P95T variant (also known as c.283C>A), located in coding exon 1 of the WT1 gene, results from a C to A substitution at nucleotide position 283. The proline at codon 95 is replaced by threonine, an amino acid with highly similar properties. This amino acid position is conserved. In addition, this alteration is predicted to be tolerated by in silico analysis. Based on the available evidence, the clinical significance of this variant remains unclear.

Labcorp Genetics (formerly Invitae), Labcorp
Classification: Uncertain significance for Wilms tumor 1; Drash syndrome; 11p partial monosomy syndrome; Frasier syndrome. Last evaluated: 2018-08-17. Review status: criteria provided, single submitter. Criteria: Invitae Variant Classification Sherloc (09022015). Collection method: clinical testing. Allele origin: germline.
Comment: This sequence change replaces proline with threonine at codon 95 of the WT1 protein (p.Pro95Thr). The proline residue is highly conserved and there is a small physicochemical difference between proline and threonine. While this variant is not present in population databases, the frequency information is unreliable, as metrics indicate poor data quality at this position in the ExAC database. This variant has not been reported in the literature in individuals with WT1-related disease. Algorithms developed to predict the effect of missense changes on protein structure and function are either unavailable or do not agree on the potential impact of this missense change (SIFT: "Deleterious"; PolyPhen-2: "Probably Damaging"; Align-GVGD: "Class C0"). In summary, the available evidence is currently insufficient to determine the role of this variant in disease. Therefore, it has been classified as a Variant of Uncertain Significance.